The following is an entry in ClinVar:

NM_014141.6(CNTNAP2):c.2456C>A (p.Thr819Asn)

Gene: CNTNAP2 (contactin associated protein 2; plus strand). Cytogenetic location: 7q35.
Variant type: single nucleotide variant.
Coding change: c.2456C>A on transcript NM_014141.6 (MANE Select); coding-DNA position 2456, C replaced by A.
Protein change: p.Thr819Asn; replaces threonine 819 with asparagine.
Molecular consequence: missense variant.
Genome position (GRCh38, 1-based): chr7:148,118,190, C>A. VCF-style: chr7-148118190-C-A. GRCh37 (hg19) VCF-style: chr7-147815282-C-A.
Other names: short protein forms T819N.
Identifiers: ClinVar variation 1946024 (VCV001946024.4), dbSNP rs771687213, ClinGen allele CA4546403.
Genomic context (GRCh38, chr7:148,118,190, plus strand): 5'-ATGCCGCCTCTTTCCCAAACCCATCCTCCTACCTGCACTTCTCTACTTTCCAAGGGGAAA[C>A]TAGCGCTGACATTTCTTTCTACTTCAAAACATTAACCCCCTGGGGAGTGTTTCTTGAAAA-3'
Protein context (NP_054860.1, residues 809-829): YLHFSTFQGE[Thr819Asn]SADISFYFKT

ClinVar aggregate classification (germline): Uncertain significance. Review status: criteria provided, multiple submitters, no conflicts (2 of 4 stars). 2 submissions from 2 submitters: Uncertain significance (2). Last evaluated 2022-09-07.

Conditions:
Inborn genetic diseases. Identifiers: MedGen C0950123, MeSH D030342.
Cortical dysplasia-focal epilepsy syndrome (PTHSL1). Also called: Pitt-Hopkins-like syndrome 1. Identifiers: Orphanet 163681, Orphanet 221150, MedGen C2750246, MONDO:0012400, OMIM 610042.

Allele frequency attached by ClinVar (database versions not stated): gnomAD exomes below 0.00001; ExAC 0.00001; gnomAD 0.00001.
gnomAD v4.1: 3 of 1,614,084 alleles (0.00019%); highest among the groups gnomAD compares: East Asian, 0.0045%; no homozygotes.

Submissions (2):

Ambry Genetics
Classification: Uncertain significance for Inborn genetic diseases. Last evaluated: 2022-09-07. Review status: criteria provided, single submitter. Criteria: Ambry Variant Classification Scheme 2023. Collection method: clinical testing. Allele origin: germline.

Labcorp Genetics (formerly Invitae), Labcorp
Classification: Uncertain significance for Cortical dysplasia-focal epilepsy syndrome. Last evaluated: 2022-08-16. Review status: criteria provided, single submitter. Criteria: Invitae Variant Classification Sherloc (09022015). Collection method: clinical testing. Allele origin: germline.
Comment: In summary, the available evidence is currently insufficient to determine the role of this variant in disease. Therefore, it has been classified as a Variant of Uncertain Significance. Algorithms developed to predict the effect of missense changes on protein structure and function (SIFT, PolyPhen-2, Align-GVGD) all suggest that this variant is likely to be disruptive. This variant has not been reported in the literature in individuals affected with CNTNAP2-related conditions. This variant is present in population databases (rs771687213, gnomAD 0.02%). This sequence change replaces threonine, which is neutral and polar, with asparagine, which is neutral and polar, at codon 819 of the CNTNAP2 protein (p.Thr819Asn).